The following continues an entry in ClinVar:

NM_000059.4(BRCA2):c.4241C>T (p.Thr1414Met)

Gene: BRCA2. ClinVar aggregate classification (germline): Benign. Benign (1).

Submissions 20 to 32 of 32:

Clinical Genetics DNA and cytogenetics Diagnostics Lab, Erasmus MC, Erasmus Medical Center
Classification: Likely benign for Breast-ovarian cancer, familial, susceptibility to, 2. Last evaluated: 2015-09-21. Review status: criteria provided, single submitter. Criteria: ACGS Guidelines, 2013. Collection method: clinical testing. Allele origin: germline. Affected: yes. Study: VKGL Data-share Consensus. Not counted in ClinVar's aggregate classification.

Eurofins Ntd Llc (ga)
Classification: Benign. Last evaluated: 2015-05-22. Review status: criteria provided, single submitter. Criteria: EGL Classification Definitions 2015. Collection method: clinical testing. Allele origin: germline. Observed: 4 variant alleles, 4 heterozygotes. Not counted in ClinVar's aggregate classification.

Color Diagnostics, LLC DBA Color Health
Classification: Likely benign for Hereditary cancer-predisposing syndrome. Last evaluated: 2015-03-06. Review status: criteria provided, single submitter. Criteria: ACMG Guidelines, 2015. Collection method: clinical testing. Allele origin: germline. Not counted in ClinVar's aggregate classification.

Ambry Genetics
Classification: Benign for Hereditary cancer-predisposing syndrome. Last evaluated: 2014-11-19. Review status: criteria provided, single submitter. Criteria: Ambry Variant Classification Scheme 2023. Collection method: clinical testing. Allele origin: germline. Not counted in ClinVar's aggregate classification.

Women's Health and Genetics/Laboratory Corporation of America, LabCorp
Classification: Benign for Hereditary breast ovarian cancer syndrome. Last evaluated: 2014-03-06. Review status: criteria provided, single submitter. Criteria: LabCorp Variant Classification Summary - May 2015. Collection method: clinical testing. Allele origin: germline. Not counted in ClinVar's aggregate classification.

Mayo Clinic Laboratories, Mayo Clinic
Classification: Likely benign. Last evaluated: 2017-07-24. Review status: no assertion criteria provided. Collection method: clinical testing. Allele origin: unknown. Not counted in ClinVar's aggregate classification.

Counsyl
Classification: Benign for Breast-ovarian cancer, familial 2. Last evaluated: 2014-04-25. Review status: no assertion criteria provided. Collection method: literature only. Allele origin: unknown. Inheritance: Autosomal dominant inheritance. Not counted in ClinVar's aggregate classification.

ITMI
No classification provided. Condition: AllHighlyPenetrant. Last evaluated: 2013-09-19. Review status: no classification provided. Collection method: reference population. Allele origin: germline. Not counted in ClinVar's aggregate classification.
Comment: Please see associated publication for description of ethnicities

Breast Cancer Information Core (BIC) (BRCA2)
Classification: Benign for Breast-ovarian cancer, familial 2. Last evaluated: 2002-05-29. Review status: no assertion criteria provided. Collection method: clinical testing. Allele origin: germline. Affected: yes. Observed: 38 variant alleles. Not counted in ClinVar's aggregate classification.

Clinical Genetics Laboratory, Department of Pathology, Netherlands Cancer Institute
Classification: Benign. Review status: no assertion criteria provided. Collection method: clinical testing. Allele origin: germline. Affected: yes. Study: VKGL Data-share Consensus. Not counted in ClinVar's aggregate classification.

Department of Pathology and Laboratory Medicine, Sinai Health System
Classification: Benign for Malignant tumor of breast. Review status: no assertion criteria provided. Collection method: clinical testing. Allele origin: unknown. Affected: yes. Study: The Canadian Open Genetics Repository (COGR). Not counted in ClinVar's aggregate classification.
Comment: The BRCA2 p.Thr1414Met variant was identified in 4 of 7918 chromosomes (frequency: 0.001) from individuals with breast or ovarian cancer, and in 1 of 148 control chromosomes (frequency: 0.007) from these studies (Borg 2010, Fackenthal 2005, Lee 2007, Palomba 2009). It is listed in dbSNP (ID#: rs70953664) with a â€šÃ„Ãºglobal minor allele frequency" of 0.003 (1000 Genomes), and in the Exome Variant Server ESP project with a frequency of 0.007 in African American alleles, increasing the likelihood that this is a low frequency benign variant in certain populations of origin. This variant was identified in LOVD, in BIC 38X with no clinical importance, and in UMD 3X as a â€šÃ„Ãºneutralâ€šÃ„Ã¹ variant where it was reported to co-occur with a known BRCA2 pathogenic mutation (BRCA2 c.6159delT (p.Ala2054LeufsX16)), further increasing the likelihood that this variant is benign. The p.Thr1414 residue is not conserved through evolution, with the variant amino acid Methionine (Met) present in mouse, rat and cat; and computational analyses (PolyPhen2, SIFT, AlignGVGD) do not suggest a high likelihood of impact to the protein. In summary, based on the above information, this variant meets our laboratory's criteria to be classified as benign.

Genome Diagnostics Laboratory, University Medical Center Utrecht
Classification: Benign. Review status: no assertion criteria provided. Collection method: clinical testing. Allele origin: germline. Affected: yes. Study: VKGL Data-share Consensus. Not counted in ClinVar's aggregate classification.

Joint Genome Diagnostic Labs from Nijmegen and Maastricht, Radboudumc and MUMC+
Classification: Benign. Review status: no assertion criteria provided. Collection method: clinical testing. Allele origin: germline. Affected: yes. Study: VKGL Data-share Consensus. Not counted in ClinVar's aggregate classification.

Literature cited by the submitters: DOI 10.3389/fgene.2022.834265 (cited by National Health Laboratory Service, Universitas Academic Hospital and University of the Free State); PubMed 18284688 (cited by Illumina Laboratory Services, Illumina and Counsyl); PubMed 12491487 (cited by Illumina Laboratory Services, Illumina and Counsyl); PubMed 15744044 (cited by Illumina Laboratory Services, Illumina and Counsyl); PubMed 19619314 (cited by Illumina Laboratory Services, Illumina and Counsyl); PubMed 20104584 (cited by Illumina Laboratory Services, Illumina and Counsyl); PubMed 24916970 (cited by Illumina Laboratory Services, Illumina); PubMed 9971877 (cited by Illumina Laboratory Services, Illumina and Counsyl); PubMed 11030418 (cited by Illumina Laboratory Services, Illumina and Counsyl); PubMed 11929857 (cited by Counsyl); PubMed 24728327 (cited by ITMI).